The following is an entry in ClinVar:

ClinVar aggregate classification (germline): Uncertain significance (1 of 4 stars; one submission).

Allele frequency attached by ClinVar (database versions not stated): gnomAD 0.00001.

Submission:

Labcorp Genetics (formerly Invitae), Labcorp
Classification: Uncertain significance. Last evaluated: 2025-09-30. Review status: criteria provided, single submitter. Criteria: Invitae Variant Classification Sherloc (09022015). Collection method: clinical testing. Allele origin: germline.
Comment: This sequence change replaces lysine, which is basic and polar, with arginine, which is basic and polar, at codon 645 of the MACF1 protein (p.Lys645Arg). This variant is present in population databases (no rsID available, gnomAD 0.01%). This variant has not been reported in the literature in individuals affected with MACF1-related conditions. ClinVar contains an entry for this variant (Variation ID: 2880481). An algorithm developed to predict the effect of missense changes on protein structure and function (PolyPhen-2) suggests that this variant is likely to be disruptive. In summary, the available evidence is currently insufficient to determine the role of this variant in disease. Therefore, it has been classified as a Variant of Uncertain Significance.

NM_001394062.1(MACF1):c.1919A>G (p.Lys640Arg)

Gene: MACF1 (microtubule actin crosslinking factor 1; plus strand). Cytogenetic location: 1p34.3.
Variant type: single nucleotide variant.
Coding change: c.1919A>G on transcript NM_001394062.1 (MANE Select); coding-DNA position 1919, A replaced by G.
Protein change: p.Lys640Arg; replaces lysine 640 with arginine.
Molecular consequence: missense variant.
Genome position (GRCh38, 1-based): chr1:39,292,770, A>G. VCF-style: chr1-39292770-A-G. GRCh37 (hg19) VCF-style: chr1-39758442-A-G.
Other names: c.1934A>G, p.Lys645Arg (NM_012090.5); short protein forms K640R, K645R.
Identifiers: ClinVar variation 2880481 (VCV002880481.3), dbSNP rs1218152543, ClinGen allele CA339765601.